The following is an entry in ClinVar:

NM_024079.5(ALG8):c.141_144del (p.His48fs)

Gene: ALG8 (ALG8 alpha-1,3-glucosyltransferase; minus strand). Cytogenetic location: 11q14.1.
Variant type: Microsatellite.
Coding change: c.141_144del on transcript NM_024079.5 (MANE Select); coding-DNA positions 141 to 144, 4 bases deleted (TCAC; older notation c.141_144delTCAC).
Protein change: p.His48fs; shifts the reading frame from histidine 48.
Molecular consequence: frameshift variant.
Genome position (GRCh38, 1-based): chr11:78,127,388-78,127,391, GTGA deleted on the plus strand (TCAC on the coding strand, the reverse complement: ALG8 is on the minus strand); deleting any 4 consecutive bases within chr11:78,127,388-78,127,395 gives the same sequence; the c. name uses the placement nearest the transcript's 3' end. VCF-style (leftmost placement, unchanged base first): chr11-78127387-TGTGA-T. GRCh37 (hg19) VCF-style: chr11-77838433-TGTGA-T.
Other names: c.141_144del, p.His48fs (NM_001007027.3); short protein forms H48fs.
Identifiers: ClinVar variation 2015614 (VCV002015614.4), dbSNP rs2497145277, ClinGen allele CA2580616398.

ClinVar aggregate classification (germline): Pathogenic (1 of 4 stars; one submission).

Conditions:
ALG8 congenital disorder of glycosylation. Also called: CONGENITAL DISORDER OF GLYCOSYLATION, TYPE Ih; CDG Ih; ALG8-CDG. Identifiers: Orphanet 79325, MedGen C2931002, MONDO:0011969, OMIM 608104.

Submission:

Labcorp Genetics (formerly Invitae), Labcorp
Classification: Pathogenic for ALG8 congenital disorder of glycosylation. Last evaluated: 2025-09-02. Review status: criteria provided, single submitter. Criteria: Invitae Variant Classification Sherloc (09022015). Collection method: clinical testing. Allele origin: germline.
Comment: This sequence change creates a premature translational stop signal (p.His48Valfs*42) in the ALG8 gene. It is expected to result in an absent or disrupted protein product. Loss-of-function variants in ALG8 are known to be pathogenic (PMID: 19862844). This variant is not present in population databases (gnomAD no frequency). This variant has not been reported in the literature in individuals affected with ALG8-related conditions. For these reasons, this variant has been classified as Pathogenic.

Literature cited by the submitters: PubMed 19862844.